The following is an entry in ClinVar:

ClinVar aggregate classification (germline): Uncertain significance (1 of 4 stars; one submission).

Submission:

GeneDx
Classification: Uncertain significance. Last evaluated: 2023-03-30. Review status: criteria provided, single submitter. Criteria: GeneDx Variant Classification Process June 2021. Collection method: clinical testing. Allele origin: germline. Affected: yes.
Comment: Not observed at significant frequency in large population cohorts (gnomAD); In silico analysis supports that this missense variant does not alter protein structure/function; Has not been previously published as pathogenic or benign to our knowledge

NM_002485.5(NBN):c.1661A>T (p.Asp554Val)

Gene: NBN (nibrin; minus strand). Cytogenetic location: 8q21.3.
Variant type: single nucleotide variant.
Coding change: c.1661A>T on transcript NM_002485.5 (MANE Select); coding-DNA position 1661, A replaced by T.
Protein change: p.Asp554Val; replaces aspartic acid 554 with valine.
Molecular consequence: missense variant.
Genome position (GRCh38, 1-based): chr8:89,953,428, T>A on the plus strand (A>T on the coding strand, the complement: NBN is on the minus strand). VCF-style: chr8-89953428-T-A. GRCh37 (hg19) VCF-style: chr8-90965656-T-A.
Other names: c.1415A>T, p.Asp472Val (NM_001024688.3); short protein forms D472V, D554V.
Identifiers: ClinVar variation 2582000 (VCV002582000.1), dbSNP rs2488230745, ClinGen allele CA371655372.